The following is an entry in ClinVar:

ClinVar aggregate classification (germline): Likely benign. Review status: criteria provided, single submitter (1 of 4 stars). 2 submissions from 2 submitters: Likely benign (1). 1 of the submissions does not count toward it. Last evaluated 2023-12-24.

Conditions:
PCNT-related disorder. Also called: PCNT-related condition.

Allele frequency attached by ClinVar (database versions not stated): TOPMed 0.00002.

Submissions (2):

Labcorp Genetics (formerly Invitae), Labcorp
Classification: Likely benign. Last evaluated: 2023-12-24. Review status: criteria provided, single submitter. Criteria: Invitae Variant Classification Sherloc (09022015). Collection method: clinical testing. Allele origin: germline.

PreventionGenetics, part of Exact Sciences
Classification: Likely benign for PCNT-related condition. Last evaluated: 2022-07-06. Review status: no assertion criteria provided. Collection method: clinical testing. Allele origin: germline. Not counted in ClinVar's aggregate classification.
Comment: This variant is classified as likely benign based on ACMG/AMP sequence variant interpretation guidelines (Richards et al. 2015 PMID: 25741868, with internal and published modifications).

NM_006031.6(PCNT):c.8269C>T (p.Leu2757=)

Gene: PCNT (pericentrin; plus strand). Cytogenetic location: 21q22.3.
Variant type: single nucleotide variant.
Coding change: c.8269C>T on transcript NM_006031.6 (MANE Select); coding-DNA position 8269, C replaced by T.
Protein change: p.Leu2757=; no amino-acid change (leucine 2757 retained).
Molecular consequence: synonymous variant.
Genome position (GRCh38, 1-based): chr21:46,431,733, C>T. VCF-style: chr21-46431733-C-T. GRCh37 (hg19) VCF-style: chr21-47851647-C-T.
Other names: c.8269C>T (NM_006031.5); c.7915C>T, p.Leu2639= (NM_001315529.2).
Identifiers: ClinVar variation 2990091 (VCV002990091.5), dbSNP rs2087771850, ClinGen allele CA513175010.